The following is an entry in ClinVar:

ClinVar aggregate classification (germline): Uncertain significance. Review status: criteria provided, multiple submitters, no conflicts (2 of 4 stars). 6 submissions from 6 submitters: Uncertain significance (6). Last evaluated 2025-12-08.

Conditions:
RAD51D-related disorder. Also called: RAD51D-related condition.
Familial ovarian cancer. Identifiers: MedGen C5679802, MONDO:0016248.
Breast-ovarian cancer, familial, susceptibility to, 4. Identifiers: Orphanet 145, MedGen C3280345, MONDO:0013669, OMIM 614291.
Hereditary cancer-predisposing syndrome. Also called: Neoplastic Syndromes, Hereditary; Tumor predisposition; Hereditary neoplastic syndrome; Hereditary Cancer Syndrome. Identifiers: Orphanet 140162, MedGen C0027672, MeSH D009386, MONDO:0015356.

Submissions (6):

Color Diagnostics, LLC DBA Color Health
Classification: Uncertain significance for Hereditary cancer-predisposing syndrome. Last evaluated: 2025-12-08. Review status: criteria provided, single submitter. Criteria: ACMG Guidelines, 2015. Collection method: clinical testing. Allele origin: germline.
Comment: This missense variant replaces leucine with proline at codon 278 of the RAD51D protein. Computational prediction suggests that this variant may have deleterious impact on protein structure and function. To our knowledge, functional studies have not been reported for this variant. This variant has not been reported in individuals affected with RAD51D-related disorders in the literature. This variant has not been identified in the general population by the Genome Aggregation Database (gnomAD). The available evidence is insufficient to determine the role of this variant in disease conclusively. Therefore, this variant is classified as a Variant of Uncertain Significance.

Labcorp Genetics (formerly Invitae), Labcorp
Classification: Uncertain significance for Breast-ovarian cancer, familial, susceptibility to, 4. Last evaluated: 2025-07-13. Review status: criteria provided, single submitter. Criteria: Invitae Variant Classification Sherloc (09022015). Collection method: clinical testing. Allele origin: germline.
Comment: This sequence change replaces leucine, which is neutral and non-polar, with proline, which is neutral and non-polar, at codon 278 of the RAD51D protein (p.Leu278Pro). This variant is not present in population databases (gnomAD no frequency). This variant has not been reported in the literature in individuals affected with RAD51D-related conditions. ClinVar contains an entry for this variant (Variation ID: 568973). Invitae Evidence Modeling of protein sequence and biophysical properties (such as structural, functional, and spatial information, amino acid conservation, physicochemical variation, residue mobility, and thermodynamic stability) indicates that this missense variant is expected to disrupt RAD51D protein function with a positive predictive value of 80%. In summary, the available evidence is currently insufficient to determine the role of this variant in disease. Therefore, it has been classified as a Variant of Uncertain Significance.

Molecular Pathology, Peter Maccallum Cancer Centre
Classification: Uncertain significance for Familial ovarian cancer. Last evaluated: 2025-03-28. Review status: criteria provided, single submitter. Criteria: ACMG Guidelines, 2015. Collection method: clinical testing. Allele origin: germline. Inheritance: Autosomal dominant inheritance.

Ambry Genetics
Classification: Uncertain significance for Hereditary cancer-predisposing syndrome. Last evaluated: 2025-01-24. Review status: criteria provided, single submitter. Criteria: Ambry Variant Classification Scheme 2023. Collection method: clinical testing. Allele origin: germline.
Comment: The p.L278P variant (also known as c.833T>C), located in coding exon 9 of the RAD51D gene, results from a T to C substitution at nucleotide position 833. The leucine at codon 278 is replaced by proline, an amino acid with similar properties. This amino acid position is highly conserved in available vertebrate species. In addition, this alteration is predicted to be deleterious by in silico analysis. Since supporting evidence is limited at this time, the clinical significance of this alteration remains unclear.

Baylor Genetics
Classification: Uncertain significance for Breast-ovarian cancer, familial, susceptibility to, 4. Last evaluated: 2024-01-09. Review status: criteria provided, single submitter. Criteria: ACMG Guidelines, 2015. Collection method: clinical testing. Allele origin: unknown.

PreventionGenetics, part of Exact Sciences
Classification: Uncertain significance for RAD51D-related condition. Last evaluated: 2022-09-28. Review status: criteria provided, single submitter. Criteria: ACMG Guidelines, 2015. Collection method: clinical testing. Allele origin: germline.
Comment: The RAD51D c.833T>C variant is predicted to result in the amino acid substitution p.Leu278Pro. To our knowledge, this variant has not been reported in the literature or in a large population database, indicating it is rare. This variant is classified as a variant of uncertain significance in ClinVar. At this time, we also interpret this variant to be of uncertain significance due to the absence of conclusive functional and genetic evidence.

NM_002878.4(RAD51D):c.833T>C (p.Leu278Pro)

Genes: RAD51D (RAD51 paralog D; minus strand), RAD51L3-RFFL (RAD51L3-RFFL readthrough; minus strand). Cytogenetic location: 17q12.
Variant type: single nucleotide variant.
Coding change: c.833T>C on transcript NM_002878.4 (MANE Select); coding-DNA position 833, T replaced by C.
Protein change: p.Leu278Pro; replaces leucine 278 with proline.
Molecular consequence: missense variant. On other transcripts: non-coding transcript variant (3).
Genome position (GRCh38, 1-based): chr17:35,101,271, A>G on the plus strand (T>C on the coding strand, the complement: RAD51D is on the minus strand). VCF-style: chr17-35101271-A-G. GRCh37 (hg19) VCF-style: chr17-33428290-A-G.
Other names: c.893T>C, p.Leu298Pro (NM_001142571.2); c.497T>C, p.Leu166Pro (NM_133629.3); short protein forms L278P, L166P, L298P.
Identifiers: ClinVar variation 568973 (VCV000568973.12), dbSNP rs1567724873, ClinGen allele CA399086674.
Genomic context (GRCh38, chr17:35,101,271, plus strand): 5'-GATTTGGCCAGACACGCCATGCGCCGGCCGCCTGATGCTCCTGCTCCCTCGATGGTGTCC[A>G]GGAGAATCCGAGTGCTGGGCACAAAGCTCCAGGAGCGTCCGAGGGCAGGTTTGAGCCTCC-3'
Protein context (NP_002869.3, residues 268-288): WSFVPSTRIL[Leu278Pro]DTIEGAGASG